The following is an entry in ClinVar:

ClinVar aggregate classification (germline): Likely pathogenic (1 of 4 stars; one submission).

Conditions:
Hypertrophic cardiomyopathy 1 (CMH1). Also called: Familial hypertrophic cardiomyopathy 1; MYH7-Related Familial Hypertrophic Cardiomyopathy. Identifiers: MedGen C3495498, MONDO:0008647, OMIM 192600.

Submission:

Clinical Genetics Laboratory, Skane University Hospital Lund
Classification: Likely pathogenic for Hypertrophic cardiomyopathy 1. Last evaluated: 2025-02-11. Review status: criteria provided, single submitter. Criteria: ACMG Guidelines, 2015. Collection method: clinical testing. Allele origin: germline. Inheritance: Autosomal dominant inheritance. Affected: yes.
Comment: ACMG criteria used: PS2_moderate, PM1, PM2, PP3

NM_000257.4(MYH7):c.814A>G (p.Arg272Gly)

Gene: MYH7 (myosin heavy chain 7; minus strand). Cytogenetic location: 14q11.2.
Variant type: single nucleotide variant.
Coding change: c.814A>G on transcript NM_000257.4 (MANE Select); coding-DNA position 814, A replaced by G.
Protein change: p.Arg272Gly; replaces arginine 272 with glycine.
Molecular consequence: missense variant.
Genome position (GRCh38, 1-based): chr14:23,430,982, T>C on the plus strand (A>G on the coding strand, the complement: MYH7 is on the minus strand). VCF-style: chr14-23430982-T-C. GRCh37 (hg19) VCF-style: chr14-23900191-T-C.
Other names: c.814A>G, p.Arg272Gly (NM_001407004.1); short protein forms R272G.
Identifiers: ClinVar variation 3602761 (VCV003602761.1).